The following is an entry in ClinVar:

NM_000051.4(ATM):c.974A>G (p.His325Arg)

Gene: ATM (ATM serine/threonine kinase; plus strand). Cytogenetic location: 11q22.3.
Variant type: single nucleotide variant.
Coding change: c.974A>G on transcript NM_000051.4 (MANE Select); coding-DNA position 974, A replaced by G.
Protein change: p.His325Arg; replaces histidine 325 with arginine.
Molecular consequence: missense variant.
Genome position (GRCh38, 1-based): chr11:108,247,036, A>G. VCF-style: chr11-108247036-A-G. GRCh37 (hg19) VCF-style: chr11-108117763-A-G.
Other names: c.974A>G, p.His325Arg (NM_001351834.2); short protein forms H325R.
Identifiers: ClinVar variation 1329105 (VCV001329105.9), dbSNP rs1565375244, ClinGen allele CA382531092.

ClinVar aggregate classification (germline): Uncertain significance. Review status: criteria provided, multiple submitters, no conflicts (2 of 4 stars). 3 submissions from 3 submitters: Uncertain significance (3). Last evaluated 2025-08-02.

Conditions:
Breast and/or ovarian cancer. Identifiers: MedGen CN221562.
Hereditary cancer-predisposing syndrome. Also called: Hereditary Cancer Syndrome; Hereditary neoplastic syndrome; Neoplastic Syndromes, Hereditary; Tumor predisposition. Identifiers: Orphanet 140162, MedGen C0027672, MeSH D009386, MONDO:0015356.
Ataxia-telangiectasia syndrome (AT). Also called: LOUIS-BAR SYNDROME; Cerebello-oculocutaneous telangiectasia; Immunodeficiency with ataxia telangiectasia; Ataxia-telangiectasia, complementation group D; AT, COMPLEMENTATION GROUP C; ATAXIA-TELANGIECTASIA, COMPLEMENTATION GROUP A. Identifiers: Orphanet 100, MedGen C0004135, MONDO:0008840, OMIM 208900.

Submissions (3):

Labcorp Genetics (formerly Invitae), Labcorp
Classification: Uncertain significance for Ataxia-telangiectasia syndrome. Last evaluated: 2025-08-02. Review status: criteria provided, single submitter. Criteria: Invitae Variant Classification Sherloc (09022015). Collection method: clinical testing. Allele origin: germline.
Comment: This sequence change replaces histidine, which is basic and polar, with arginine, which is basic and polar, at codon 325 of the ATM protein (p.His325Arg). This variant is not present in population databases (gnomAD no frequency). This variant has not been reported in the literature in individuals affected with ATM-related conditions. ClinVar contains an entry for this variant (Variation ID: 1329105). Invitae Evidence Modeling of protein sequence and biophysical properties (such as structural, functional, and spatial information, amino acid conservation, physicochemical variation, residue mobility, and thermodynamic stability) indicates that this missense variant is not expected to disrupt ATM protein function with a negative predictive value of 95%. In summary, the available evidence is currently insufficient to determine the role of this variant in disease. Therefore, it has been classified as a Variant of Uncertain Significance.

Ambry Genetics
Classification: Uncertain significance for Hereditary cancer-predisposing syndrome. Last evaluated: 2021-08-20. Review status: criteria provided, single submitter. Criteria: Ambry Variant Classification Scheme 2023. Collection method: clinical testing. Allele origin: germline.
Comment: The p.H325R variant (also known as c.974A>G), located in coding exon 7 of the ATM gene, results from an A to G substitution at nucleotide position 974. The histidine at codon 325 is replaced by arginine, an amino acid with highly similar properties. This amino acid position is not well conserved in available vertebrate species. In addition, this alteration is predicted to be tolerated by in silico analysis. Since supporting evidence is limited at this time, the clinical significance of this alteration remains unclear.

CHEO Genetics Diagnostic Laboratory, Children's Hospital of Eastern Ontario
Classification: Uncertain significance for Breast and/or ovarian cancer. Last evaluated: 2020-03-24. Review status: criteria provided, single submitter. Criteria: ACMG Guidelines, 2015. Collection method: clinical testing. Allele origin: germline.